The following is an entry in ClinVar:

ClinVar aggregate classification (germline): Uncertain significance (1 of 4 stars; one submission).

Conditions:
Pheochromocytoma. Also called: MAX-Related Hereditary Paraganglioma-Pheochromocytoma Syndrome. Identifiers: Orphanet 29072, MedGen C0031511, MONDO:0008233, OMIM 171300, HP:0002666.
Pheochromocytoma/paraganglioma syndrome 4. Also called: CAROTID BODY TUMORS AND MULTIPLE EXTRAADRENAL PHEOCHROMOCYTOMAS; PARAGANGLIOMA, FAMILIAL MALIGNANT; PARAGANGLIOMAS, HEREDITARY EXTRAADRENAL; PHEOCHROMOCYTOMA, FAMILIAL EXTRAADRENAL; Paragangliomas 4; SDHB-Related Hereditary Paraganglioma-Pheochromocytoma Syndrome (Paragangliomas 4). Identifiers: Orphanet 29072, MedGen C1861848, MONDO:0007273, OMIM 115310.
Gastrointestinal stromal tumor. Also called: Gastrointestinal stroma tumor; Gastrointestinal stromal tumor, somatic. Identifiers: Orphanet 44890, MedGen C0238198, MeSH D046152, MONDO:0011719, OMIM 606764, HP:0100723.

Submission:

Labcorp Genetics (formerly Invitae), Labcorp
Classification: Uncertain significance for Gastrointestinal stromal tumor; Pheochromocytoma/paraganglioma syndrome 4; Pheochromocytoma. Last evaluated: 2026-01-18. Review status: criteria provided, single submitter. Criteria: Invitae Variant Classification Sherloc (09022015). Collection method: clinical testing. Allele origin: germline.
Comment: This sequence change replaces glycine, which is neutral and non-polar, with glutamic acid, which is acidic and polar, at codon 107 of the SDHB protein (p.Gly107Glu). This variant is not present in population databases (gnomAD no frequency). This variant has not been reported in the literature in individuals affected with SDHB-related conditions. ClinVar contains an entry for this variant (Variation ID: 2050093). Invitae Evidence Modeling of protein sequence and biophysical properties (such as structural, functional, and spatial information, amino acid conservation, physicochemical variation, residue mobility, and thermodynamic stability) indicates that this missense variant is expected to disrupt SDHB protein function with a positive predictive value of 80%. In summary, the available evidence is currently insufficient to determine the role of this variant in disease. Therefore, it has been classified as a Variant of Uncertain Significance.

NM_003000.3(SDHB):c.320G>A (p.Gly107Glu)

Gene: SDHB (succinate dehydrogenase complex iron sulfur subunit B; minus strand). Cytogenetic location: 1p36.13.
Variant type: single nucleotide variant.
Coding change: c.320G>A on transcript NM_003000.3 (MANE Select); coding-DNA position 320, G replaced by A.
Protein change: p.Gly107Glu; replaces glycine 107 with glutamic acid.
Molecular consequence: missense variant.
Genome position (GRCh38, 1-based): chr1:17,028,703, C>T on the plus strand (G>A on the coding strand, the complement: SDHB is on the minus strand). VCF-style: chr1-17028703-C-T. GRCh37 (hg19) VCF-style: chr1-17355198-C-T.
Other names: c.320G>A, p.Gly107Glu (NM_001407361.1); short protein forms G107E.
Identifiers: ClinVar variation 2050093 (VCV002050093.4), dbSNP rs2525020756, ClinGen allele CA338274926.